The following is an entry in ClinVar:

ClinVar aggregate classification (germline): Uncertain significance (1 of 4 stars; one submission).

Conditions:
Cardiomyopathy (CMYO). Also called: Cardiomyopathies. Identifiers: Orphanet 167848, MedGen C0878544, MONDO:0004994, HP:0001638. Inheritance: Various modes of inheritance.

Submission:

Color Diagnostics, LLC DBA Color Health
Classification: Uncertain significance for Cardiomyopathy. Last evaluated: 2025-06-03. Review status: criteria provided, single submitter. Criteria: ACMG Guidelines, 2015. Collection method: clinical testing. Allele origin: germline.
Comment: This variant changes 1 nucleotide in exon 16 of the DSC2 gene, creating a premature translation stop signal in the last exon. To our knowledge, functional studies have not been reported for this variant. It has not been reported in individuals affected with DSC2-related disorders in the literature. This variant has not been identified in the general population by the Genome Aggregation Database (gnomAD). The available evidence is insufficient to determine the role of this variant in disease conclusively. Therefore, this variant is classified as a Variant of Uncertain Significance.

NM_024422.6(DSC2):c.2626C>T (p.Gln876Ter)

Gene: DSC2 (desmocollin 2; minus strand). Cytogenetic location: 18q12.1.
Variant type: single nucleotide variant.
Coding change: c.2626C>T on transcript NM_024422.6 (MANE Select); coding-DNA position 2626, C replaced by T.
Protein change: p.Gln876Ter; replaces glutamine 876 with a stop codon.
Molecular consequence: nonsense. On other transcripts: 3 prime UTR variant (2).
Genome position (GRCh38, 1-based): chr18:31,068,095, G>A on the plus strand (C>T on the coding strand, the complement: DSC2 is on the minus strand). VCF-style: chr18-31068095-G-A. GRCh37 (hg19) VCF-style: chr18-28648061-G-A.
Other names: c.2197C>T, p.Gln733Ter (NM_001406506.1); c.*128C>T (NM_001406507.1, NM_004949.5); short protein forms Q733*, Q876*.
Identifiers: ClinVar variation 4758705 (VCV004758705.1).